The following is an entry in ClinVar:

NM_006767.4(LZTR1):c.550A>G (p.Ser184Gly)

Gene: LZTR1 (leucine zipper like post translational regulator 1; plus strand). Cytogenetic location: 22q11.21.
Variant type: single nucleotide variant.
Coding change: c.550A>G on transcript NM_006767.4 (MANE Select); coding-DNA position 550, A replaced by G.
Protein change: p.Ser184Gly; replaces serine 184 with glycine.
Molecular consequence: missense variant.
Genome position (GRCh38, 1-based): chr22:20,988,829, A>G. VCF-style: chr22-20988829-A-G. GRCh37 (hg19) VCF-style: chr22-21343118-A-G.
Other names: short protein forms S184G.
Identifiers: ClinVar variation 964557 (VCV000964557.10), dbSNP rs1376517094, ClinGen allele CA410780154.
Genomic context (GRCh38, chr22:20,988,829, plus strand): 5'-CCTCTTCCCTCACACTCCAGGTTGCCAGTCGCTAGGTCAGCCCATGGGGCCACGGTGTAC[A>G]GTGACAAGCTGTGGATCTTTGCTGGCTATGACGGCAACGCCAGGTGGGTGGTGGTCCGGC-3'
Protein context (NP_006758.2, residues 174-194): ARSAHGATVY[Ser184Gly]DKLWIFAGYD

ClinVar aggregate classification (germline): Uncertain significance. Review status: criteria provided, multiple submitters, no conflicts (2 of 4 stars). 2 submissions from 2 submitters: Uncertain significance (2). Last evaluated 2026-01-19.

Conditions:
Cardiovascular phenotype. Identifiers: MedGen CN230736.
Hereditary cancer-predisposing syndrome. Also called: Tumor predisposition; Hereditary neoplastic syndrome; Hereditary Cancer Syndrome; Neoplastic Syndromes, Hereditary. Identifiers: Orphanet 140162, MedGen C0027672, MeSH D009386, MONDO:0015356.

Allele frequency attached by ClinVar (database versions not stated): gnomAD exomes below 0.00001.
gnomAD v4.1: 6 of 1,614,136 alleles (0.00037%); highest among the groups gnomAD compares: South Asian, 0.0066%; no homozygotes.

Submissions (2):

Labcorp Genetics (formerly Invitae), Labcorp
Classification: Uncertain significance. Last evaluated: 2026-01-19. Review status: criteria provided, single submitter. Criteria: Invitae Variant Classification Sherloc (09022015). Collection method: clinical testing. Allele origin: germline.
Comment: This sequence change replaces serine, which is neutral and polar, with glycine, which is neutral and non-polar, at codon 184 of the LZTR1 protein (p.Ser184Gly). This variant is present in population databases (no rsID available, gnomAD 0.003%). This variant has not been reported in the literature in individuals affected with LZTR1-related conditions. ClinVar contains an entry for this variant (Variation ID: 964557). Invitae Evidence Modeling of protein sequence and biophysical properties (such as structural, functional, and spatial information, amino acid conservation, physicochemical variation, residue mobility, and thermodynamic stability) indicates that this missense variant is not expected to disrupt LZTR1 protein function with a negative predictive value of 80%. In summary, the available evidence is currently insufficient to determine the role of this variant in disease. Therefore, it has been classified as a Variant of Uncertain Significance.

Ambry Genetics
Classification: Uncertain significance for Cardiovascular phenotype; Hereditary cancer-predisposing syndrome. Last evaluated: 2024-07-07. Review status: criteria provided, single submitter. Criteria: Ambry Variant Classification Scheme 2023. Collection method: clinical testing. Allele origin: germline.
Comment: The p.S184G variant (also known as c.550A>G), located in coding exon 6 of the LZTR1 gene, results from an A to G substitution at nucleotide position 550. The serine at codon 184 is replaced by glycine, an amino acid with similar properties. This amino acid position is conserved. In addition, this alteration is predicted to be tolerated by in silico analysis. Based on the available evidence, the clinical significance of this variant remains unclear.